The following is an entry in ClinVar:

NM_172107.4(KCNQ2):c.1526-3C>T

Gene: KCNQ2 (potassium voltage-gated channel subfamily Q member 2; minus strand). Cytogenetic location: 20q13.33.
Variant type: single nucleotide variant.
Coding change: c.1526-3C>T on transcript NM_172107.4 (MANE Select); 3 bases into the intron before coding-DNA position 1526, C replaced by T.
Molecular consequence: intron variant.
Genome position (GRCh38, 1-based): chr20:63,414,196, G>A on the plus strand (C>T on the coding strand, the complement: KCNQ2 is on the minus strand). VCF-style: chr20-63414196-G-A. GRCh37 (hg19) VCF-style: chr20-62045549-G-A.
Other names: c.1442-3C>T (NM_004518.6); c.1436-6C>T (NM_172108.5); c.1472-3C>T (NM_172106.3, NM_001382235.1).
Identifiers: ClinVar variation 940154 (VCV000940154.9), dbSNP rs568408012, ClinGen allele CA9958412.

ClinVar aggregate classification (germline): Uncertain significance (1 of 4 stars; one submission).

Conditions:
Early-infantile DEE. Also called: Early infantile epileptic encephalopathy; Ohtahara syndrome; Early infantile epileptic encephalopathy with suppression bursts. Identifiers: Orphanet 1934, MedGen C0393706, MONDO:0800491.

Allele frequency attached by ClinVar (database versions not stated): gnomAD exomes below 0.00001; ExAC 0.00001; gnomAD 0.00001 and 0.00002; TOPMed 0.00001; 1000 Genomes Project 30x 0.00016; 1000 Genomes Project 0.00020.
gnomAD v4.1: 4 of 1,610,642 alleles (0.00025%); highest among the groups gnomAD compares: African/African-American, 0.0027%; no homozygotes.

Submission:

Labcorp Genetics (formerly Invitae), Labcorp
Classification: Uncertain significance for Early-infantile DEE. Last evaluated: 2025-11-02. Review status: criteria provided, single submitter. Criteria: Invitae Variant Classification Sherloc (09022015). Collection method: clinical testing. Allele origin: germline.
Comment: This sequence change falls in intron 13 of the KCNQ2 gene. It does not directly change the encoded amino acid sequence of the KCNQ2 protein. It affects a nucleotide within the consensus splice site. This variant is present in population databases (rs568408012, gnomAD 0.004%). This variant has not been reported in the literature in individuals affected with KCNQ2-related conditions. ClinVar contains an entry for this variant (Variation ID: 940154). Variants that disrupt the consensus splice site are a relatively common cause of aberrant splicing (PMID: 17576681, 9536098). Algorithms developed to predict the effect of sequence changes on RNA splicing suggest that this variant is not likely to affect RNA splicing. In summary, the available evidence is currently insufficient to determine the role of this variant in disease. Therefore, it has been classified as a Variant of Uncertain Significance.

Literature cited by the submitters: PubMed 17576681; PubMed 9536098.